The following is an entry in ClinVar:

ClinVar aggregate classification (germline): Pathogenic. Review status: criteria provided, multiple submitters, no conflicts (2 of 4 stars). 5 submissions from 5 submitters: Pathogenic (4). 1 of the submissions does not count toward it. Last evaluated 2026-06-26.

Conditions:
Retinal dystrophy. Also called: Inherited retinal dystrophy. Identifiers: Orphanet 71862, MedGen C0854723, MeSH D058499, MONDO:0019118, HP:0000556.
PROM1-related disorder. Also called: PROM1-related condition; PROM1-related disorders.

Submissions (5):

PreventionGenetics, part of Exact Sciences
Classification: Pathogenic for PROM1-related condition. Last evaluated: 2026-06-26. Review status: criteria provided, single submitter. Criteria: ACMG Guidelines, 2015. Collection method: clinical testing. Allele origin: germline.
Comment: The PROM1 c.1697dupA variant is predicted to result in a frameshift and premature protein termination (p.Asn566Lysfs*2). This variant was reported in the homozygous state in individuals with cone-rod dystrophy (see, for examples, supplementary data, Tracewska et al. 2021. PubMed ID: 34321860; Khan et al. 2015. PubMed ID: 24547909). This variant is reported in 0.0055% of alleles in individuals of European (Non-Finnish) descent in gnomAD. Frameshift variants in PROM1 are expected to be pathogenic. This variant is interpreted as pathogenic for autosomal recessive disease.

Labcorp Genetics (formerly Invitae), Labcorp
Classification: Pathogenic. Last evaluated: 2025-02-17. Review status: criteria provided, single submitter. Criteria: Invitae Variant Classification Sherloc (09022015). Collection method: clinical testing. Allele origin: germline.
Comment: This sequence change creates a premature translational stop signal (p.Asn566Lysfs*2) in the PROM1 gene. It is expected to result in an absent or disrupted protein product. Loss-of-function variants in PROM1 are known to be pathogenic (PMID: 17605048, 19718270, 24154662, 25474345). The frequency data for this variant in the population databases is considered unreliable, as metrics indicate poor data quality at this position in the gnomAD database. This premature translational stop signal has been observed in individual(s) with autosomal recessive Stargardt disease (PMID: 24547909, 34321860). ClinVar contains an entry for this variant (Variation ID: 866977). For these reasons, this variant has been classified as Pathogenic.

CeGaT Center for Human Genetics Tuebingen
Classification: Pathogenic. Last evaluated: 2023-04-01. Review status: criteria provided, single submitter. Criteria: CeGaT Center For Human Genetics Tuebingen Variant Classification Criteria Version 2. Collection method: clinical testing. Allele origin: germline. Affected: yes. Observed: 1 variant allele.
Comment: PROM1: PVS1, PM2, PM5, PM3:Supporting

Blueprint Genetics
Classification: Pathogenic for PROM1-related disorders. Last evaluated: 2021-12-02. Review status: criteria provided, single submitter. Criteria: ACMG Guidelines, 2015. Collection method: clinical testing. Allele origin: germline. Affected: yes. Observed: 5 variant alleles.

Institute of Human Genetics, Univ. Regensburg, Univ. Regensburg
Classification: Pathogenic for Retinal dystrophy. Last evaluated: 2021-01-01. Review status: no assertion criteria provided. Criteria: ACMG Guidelines, 2015. Collection method: clinical testing. Allele origin: germline. Affected: yes. Not counted in ClinVar's aggregate classification.

Literature cited by the submitters: PubMed 17605048 (cited by Labcorp Genetics (formerly Invitae), Labcorp); PubMed 19718270 (cited by Labcorp Genetics (formerly Invitae), Labcorp); PubMed 24154662 (cited by Labcorp Genetics (formerly Invitae), Labcorp); PubMed 25474345 (cited by Labcorp Genetics (formerly Invitae), Labcorp); PubMed 24547909 (cited by Labcorp Genetics (formerly Invitae), Labcorp); PubMed 34321860 (cited by Labcorp Genetics (formerly Invitae), Labcorp).

NM_006017.3(PROM1):c.1697dup (p.Asn566fs)

Gene: PROM1 (prominin 1; minus strand). Cytogenetic location: 4p15.32.
Variant type: Duplication.
Coding change: c.1697dup on transcript NM_006017.3 (MANE Select); coding-DNA position 1697, one base duplicated (A; older notation c.1697dupA).
Protein change: p.Asn566fs; shifts the reading frame from asparagine 566.
Molecular consequence: frameshift variant.
Genome position (GRCh38, 1-based): chr4:15,994,057, T duplicated on the plus strand (A on the coding strand, the reverse complement: PROM1 is on the minus strand); the first of 8 consecutive T bases (chr4:15,994,057-15,994,064); duplicating any one gives the same sequence. VCF-style (leftmost placement, unchanged base first): chr4-15994056-A-AT. GRCh37 (hg19) VCF-style: chr4-15995679-A-AT.
Other names: c.1670dup, p.Asn557fs (NM_001145847.2, NM_001145848.2, NM_001145851.2 and 4 more transcripts); c.1697dup, p.Asn566fs (NM_001145849.2, NM_001145850.2); c.1697dupA (NM_006017.2); short protein forms N557fs, N566fs.
Identifiers: ClinVar variation 866977 (VCV000866977.34), dbSNP rs762078182, ClinGen allele CA2866672.